The following is an entry in ClinVar:

NM_002470.4(MYH3):c.3445G>C (p.Glu1149Gln)

Gene: MYH3 (myosin heavy chain 3; minus strand). Cytogenetic location: 17p13.1.
Variant type: single nucleotide variant.
Coding change: c.3445G>C on transcript NM_002470.4 (MANE Select); coding-DNA position 3445, G replaced by C.
Protein change: p.Glu1149Gln; replaces glutamic acid 1149 with glutamine.
Molecular consequence: missense variant.
Genome position (GRCh38, 1-based): chr17:10,638,327, C>G on the plus strand (G>C on the coding strand, the complement: MYH3 is on the minus strand). VCF-style: chr17-10638327-C-G. GRCh37 (hg19) VCF-style: chr17-10541644-C-G.
Other names: short protein forms E1149Q.
Identifiers: ClinVar variation 886115 (VCV000886115.20), dbSNP rs145785711, ClinGen allele CA8392513.

ClinVar aggregate classification (germline): Benign/Likely benign. Review status: criteria provided, multiple submitters, no conflicts (2 of 4 stars). 7 submissions from 6 submitters: Benign (2); Likely benign (2). 3 of the submissions do not count toward it. Last evaluated 2026-06-18.

Conditions:
MYH3-related disorder. Also called: MYH3-Related Disorders; MYH3-related condition. Identifiers: MedGen CN239329.
Distal arthrogryposis type 2B1 (DA2B1). Also called: Arthrogryposis multiplex congenita distal type II with craniofacial abnormalities. Identifiers: Orphanet 1147, MedGen C5193014, MONDO:0020820, OMIM 601680.
Freeman-Sheldon syndrome (DA2A). Also called: Arthrogryposis, distal, type 2A (Freeman-Sheldon); CRANIOCARPOTARSAL DYSPLASIA; CRANIOCARPOTARSAL DYSTROPHY; WHISTLING FACE-WINDMILL VANE HAND SYNDROME. Identifiers: Orphanet 2053, MedGen C0265224, MONDO:0008675, OMIM 193700.

Allele frequency attached by ClinVar (database versions not stated): TOPMed 0.00057; ESP Exome Variant Server 0.00069.
gnomAD v4.1: 1,201 of 1,612,034 alleles (0.075%); highest among the groups gnomAD compares: Non-Finnish European, 0.099%; 1 homozygote.

Submissions (7):

Women's Health and Genetics/Laboratory Corporation of America, LabCorp
Classification: Likely benign. Last evaluated: 2026-06-18. Review status: criteria provided, single submitter. Criteria: LabCorp Variant Classification Summary - May 2015. Collection method: clinical testing. Allele origin: germline.
Comment: Variant summary: MYH3 c.3445G>C (p.Glu1149Gln) results in a conservative amino acid change in the encoded protein sequence. Algorithms developed to predict the effect of missense changes on protein structure and function are either unavailable or do not agree on the potential impact of this missense change. The variant allele was found at a frequency of 0.00038 in 249854 control chromosomes (gnomAD v.2) and a homozygous individual has been reported in gnomAD (v4). The maximum pathogenic allele fequency for this gene has not been established. To our knowledge, no occurrence of c.3445G>C in individuals affected with MYH3-related conditions and no experimental evidence demonstrating its impact on protein function have been reported. ClinVar contains an entry for this variant (Variation ID: 886115). Based on the evidence outlined above, the variant was classified as likely benign.

Labcorp Genetics (formerly Invitae), Labcorp
Classification: Likely benign. Last evaluated: 2026-01-27. Review status: criteria provided, single submitter. Criteria: Invitae Variant Classification Sherloc (09022015). Collection method: clinical testing. Allele origin: germline.

Illumina Laboratory Services, Illumina
Classification: Benign for Distal arthrogryposis type 2B1. Last evaluated: 2017-04-27. Review status: criteria provided, single submitter. Criteria: ICSL Variant Classification Criteria 13 December 2019. Collection method: clinical testing. Allele origin: germline.
Comment: This variant was observed as part of a predisposition screen in an ostensibly healthy population. A literature search was performed for the gene, cDNA change, and amino acid change (where applicable). Publications were found based on this search. The evidence from the literature, in combination with allele frequency data from public databases where available, was sufficient to rule this variant out of causing disease. Therefore, this variant is classified as benign.

Illumina Laboratory Services, Illumina
Classification: Benign for Freeman-Sheldon syndrome. Last evaluated: 2017-04-27. Review status: criteria provided, single submitter. Criteria: ICSL Variant Classification Criteria 13 December 2019. Collection method: clinical testing. Allele origin: germline.
Comment: the same text as in the submission from Illumina Laboratory Services, Illumina above.

PreventionGenetics, part of Exact Sciences
Classification: Likely benign for MYH3-related condition. Last evaluated: 2020-09-29. Review status: no assertion criteria provided. Collection method: clinical testing. Allele origin: germline. Not counted in ClinVar's aggregate classification.
Comment: This variant is classified as likely benign based on ACMG/AMP sequence variant interpretation guidelines (Richards et al. 2015 PMID: 25741868, with internal and published modifications).

Clinical Genetics DNA and cytogenetics Diagnostics Lab, Erasmus MC, Erasmus Medical Center
Classification: Uncertain significance. Review status: no assertion criteria provided. Collection method: clinical testing. Allele origin: germline. Affected: yes. Study: VKGL Data-share Consensus. Not counted in ClinVar's aggregate classification.

Diagnostic Laboratory, Department of Genetics, University Medical Center Groningen
Classification: Uncertain significance. Review status: no assertion criteria provided. Collection method: clinical testing. Allele origin: germline. Affected: yes. Study: VKGL Data-share Consensus. Not counted in ClinVar's aggregate classification.

Literature cited by the submitters: PubMed 19142688 (cited by Illumina Laboratory Services, Illumina).